The following is an entry in ClinVar:

ClinVar aggregate classification (germline): Pathogenic (1 of 4 stars; one submission).

Conditions:
Hereditary factor VIII deficiency disease (HEMA). Also called: HEMOPHILIA, CLASSIC; Hemophilia A, congenital; HEM A; Factor 8 deficiency, congenital; AUTOSOMAL HEMOPHILIA A; Hemophilia A. Identifiers: Orphanet 98878, MedGen C0019069, MONDO:0010602, OMIM 306700.

Submission:

Human Genetic Diversity Lab, University of the Republic of Uruguay
Classification: Pathogenic for Hereditary factor VIII deficiency disease. Last evaluated: 2026-02-02. Review status: criteria provided, single submitter. Criteria: ACMG Guidelines, 2015. Collection method: research. Allele origin: germline. Inheritance: X-linked inheritance. Affected: yes. Observed: 1 variant allele, 2 hemizygotes.
Comment: The Pro262Alafs*23 variant in F8 gene has not been reported in databases and was absent from large population studies (gnomAD). The variant is a frameshift that introduces a stop codon in exon 6 of the coagulation factor VIII gene; that is, it is a null variant classified as PSV1. In summary, the variant meets our criteria for classification as pathogenic based on segregation studies, absence from controls, and functional effects.

Literature cited by the submitters: DOI 10.1056/NEJMsr1406261.

NM_000132.4(F8):c.782dup (p.Pro262fs)

Gene: F8 (coagulation factor VIII; minus strand). Cytogenetic location: Xq28.
Variant type: Duplication.
Coding change: c.782dup on transcript NM_000132.4 (MANE Select); coding-DNA position 782, one base duplicated (T; older notation c.782dupT).
Protein change: p.Pro262fs; shifts the reading frame from proline 262.
Molecular consequence: frameshift variant.
Genome position (GRCh38, 1-based): chrX:154,984,692, A duplicated on the plus strand (T on the coding strand, the reverse complement: F8 is on the minus strand). VCF-style (leftmost placement, unchanged base first): chrX-154984691-C-CA. GRCh37 (hg19) VCF-style: chrX-154212966-C-CA.
Other names: c.782_783insT (NM_000132.4); short protein forms P262fs.
Identifiers: ClinVar variation 4756108 (VCV004756108.1).